The following is an entry in ClinVar:

ClinVar aggregate classification (germline): Uncertain significance (1 of 4 stars; one submission).

gnomAD v4.1: 14 of 1,613,540 alleles (0.00087%); highest among the groups gnomAD compares: South Asian, 0.0022%; no homozygotes.

Submission:

Labcorp Genetics (formerly Invitae), Labcorp
Classification: Uncertain significance. Last evaluated: 2024-02-04. Review status: criteria provided, single submitter. Criteria: Invitae Variant Classification Sherloc (09022015). Collection method: clinical testing. Allele origin: germline.
Comment: This sequence change replaces threonine, which is neutral and polar, with isoleucine, which is neutral and non-polar, at codon 68 of the BMP2 protein (p.Thr68Ile). This variant is present in population databases (no rsID available, gnomAD 0.007%). This variant has not been reported in the literature in individuals affected with BMP2-related conditions. An algorithm developed to predict the effect of missense changes on protein structure and function (PolyPhen-2) suggests that this variant is likely to be disruptive. In summary, the available evidence is currently insufficient to determine the role of this variant in disease. Therefore, it has been classified as a Variant of Uncertain Significance.

NM_001200.4(BMP2):c.203C>T (p.Thr68Ile)

Gene: BMP2 (bone morphogenetic protein 2; plus strand). Cytogenetic location: 20p12.3.
Variant type: single nucleotide variant.
Coding change: c.203C>T on transcript NM_001200.4 (MANE Select); coding-DNA position 203, C replaced by T.
Protein change: p.Thr68Ile; replaces threonine 68 with isoleucine.
Molecular consequence: missense variant.
Genome position (GRCh38, 1-based): chr20:6,770,329, C>T. VCF-style: chr20-6770329-C-T. GRCh37 (hg19) VCF-style: chr20-6750976-C-T.
Other names: short protein forms T68I.
Identifiers: ClinVar variation 3685997 (VCV003685997.2).